The following is an entry in ClinVar:

NM_000310.4(PPT1):c.637G>T (p.Glu213Ter)

Gene: PPT1 (palmitoyl-protein thioesterase 1; minus strand). Cytogenetic location: 1p34.2.
Variant type: single nucleotide variant.
Coding change: c.637G>T on transcript NM_000310.4 (MANE Select); coding-DNA position 637, G replaced by T.
Protein change: p.Glu213Ter; replaces glutamic acid 213 with a stop codon.
Molecular consequence: nonsense.
Genome position (GRCh38, 1-based): chr1:40,078,649, C>A on the plus strand (G>T on the coding strand, the complement: PPT1 is on the minus strand). VCF-style: chr1-40078649-C-A. GRCh37 (hg19) VCF-style: chr1-40544321-C-A.
Other names: c.328G>T, p.Glu110Ter (NM_001142604.2); c.637G>T, p.Glu213Ter (NM_001363695.2); short protein forms E213*, E110*.
Identifiers: ClinVar variation 2815167 (VCV002815167.4), dbSNP rs2523635810, ClinGen allele CA339846946.

ClinVar aggregate classification (germline): Pathogenic/Likely pathogenic. Review status: criteria provided, multiple submitters, no conflicts (2 of 4 stars). 2 submissions from 2 submitters: Pathogenic (1); Likely pathogenic (1). Last evaluated 2023-11-20.

Conditions:
Neuronal ceroid lipofuscinosis 1 (CLN1). Also called: PPT1-Related Neuronal Ceroid-Lipofuscinosis; CEROID LIPOFUSCINOSIS, NEURONAL, 1, VARIABLE AGE AT ONSET. Identifiers: Orphanet 228329, MedGen C1850451, MONDO:0009744, OMIM 256730.

Submissions (2):

Baylor Genetics
Classification: Likely pathogenic for Neuronal ceroid lipofuscinosis 1. Last evaluated: 2023-11-20. Review status: criteria provided, single submitter. Criteria: ACMG Guidelines, 2015. Collection method: clinical testing. Allele origin: unknown.

Labcorp Genetics (formerly Invitae), Labcorp
Classification: Pathogenic for Neuronal ceroid lipofuscinosis 1. Last evaluated: 2023-01-28. Review status: criteria provided, single submitter. Criteria: Invitae Variant Classification Sherloc (09022015). Collection method: clinical testing. Allele origin: germline.
Comment: This sequence change creates a premature translational stop signal (p.Glu213*) in the PPT1 gene. It is expected to result in an absent or disrupted protein product. Loss-of-function variants in PPT1 are known to be pathogenic (PMID: 10679943, 21990111). This variant is not present in population databases (gnomAD no frequency). This variant has not been reported in the literature in individuals affected with PPT1-related conditions. For these reasons, this variant has been classified as Pathogenic.

Literature cited by the submitters: PubMed 10679943 (cited by Labcorp Genetics (formerly Invitae), Labcorp); PubMed 21990111 (cited by Labcorp Genetics (formerly Invitae), Labcorp).